The following is an entry in ClinVar:

NM_152564.5(VPS13B):c.6278T>C (p.Ile2093Thr)

Gene: VPS13B (vacuolar protein sorting 13 homolog B; plus strand). Cytogenetic location: 8q22.2.
Variant type: single nucleotide variant.
Coding change: c.6278T>C on transcript NM_152564.5 (MANE Select); coding-DNA position 6278, T replaced by C.
Protein change: p.Ile2093Thr; replaces isoleucine 2093 with threonine.
Molecular consequence: missense variant.
Genome position (GRCh38, 1-based): chr8:99,699,756, T>C. VCF-style: chr8-99699756-T-C. GRCh37 (hg19) VCF-style: chr8-100711984-T-C.
Other names: c.6353T>C, p.Ile2118Thr (NM_017890.5); short protein forms I2093T, I2118T.
Identifiers: ClinVar variation 3356901 (VCV003356901.1).

ClinVar aggregate classification (germline): Uncertain significance (0 of 4 stars; one submission).

Conditions:
VPS13B-related disorder. Also called: VPS13B-related condition.

gnomAD v4.1: 2 of 1,614,094 alleles (0.00012%); highest among the groups gnomAD compares: Non-Finnish European, 0.00017%; no homozygotes.

Submission:

PreventionGenetics, part of Exact Sciences
Classification: Uncertain significance for VPS13B-related condition. Last evaluated: 2024-03-23. Review status: no assertion criteria provided. Collection method: clinical testing. Allele origin: germline.
Comment: The VPS13B c.6278T>C variant is predicted to result in the amino acid substitution p.Ile2093Thr. To our knowledge, this variant has not been reported in the literature. This variant is reported in 0.011% of alleles in individuals of East Asian descent in gnomAD. At this time, the clinical significance of this variant is uncertain due to the absence of conclusive functional and genetic evidence.